The following is an entry in ClinVar:

ClinVar aggregate classification (germline): Uncertain significance (1 of 4 stars; one submission).

Submission:

GeneDx
Classification: Uncertain significance. Last evaluated: 2025-11-10. Review status: criteria provided, single submitter. Criteria: GeneDx Variant Classification Process June 2021. Collection method: clinical testing. Allele origin: germline.
Comment: Not observed at significant frequency in large population cohorts (gnomAD); In silico analysis supports that this missense variant has a deleterious effect on protein structure/function; Has not been previously published as pathogenic or benign to our knowledge

NM_001130021.3(ATP6V0A1):c.296C>G (p.Ala99Gly)

Gene: ATP6V0A1 (ATPase H+ transporting V0 subunit a1; plus strand). Cytogenetic location: 17q21.2.
Variant type: single nucleotide variant.
Coding change: c.296C>G on transcript NM_001130021.3 (MANE Select); coding-DNA position 296, C replaced by G.
Protein change: p.Ala99Gly; replaces alanine 99 with glycine.
Molecular consequence: missense variant. On other transcripts: intron variant (5).
Genome position (GRCh38, 1-based): chr17:42,470,091, C>G. VCF-style: chr17-42470091-C-G. GRCh37 (hg19) VCF-style: chr17-40622109-C-G.
Other names: c.296C>G, p.Ala99Gly (NM_001130020.3, NM_001378522.1, NM_001378523.1 and 21 more transcripts); c.116C>G, p.Ala39Gly (NM_001378543.1, NM_001378549.1, NM_001378553.1); c.294+1984C>G (NM_001378536.1, NM_001378550.1, NM_001378556.1 and 2 more transcripts); short protein forms A39G, A99G.
Identifiers: ClinVar variation 2662317 (VCV002662317.2), dbSNP rs2510033271, ClinGen allele CA399580281.